The following is an entry in ClinVar:

ClinVar aggregate classification (germline): Uncertain significance. Review status: criteria provided, multiple submitters, no conflicts (2 of 4 stars). 2 submissions from 2 submitters: Uncertain significance (2). Last evaluated 2024-11-11.

Conditions:
Epidermodysplasia verruciformis. Identifiers: Orphanet 302, MedGen C0014522, MONDO:0009176.
Inborn genetic diseases. Identifiers: MedGen C0950123, MeSH D030342.

Allele frequency attached by ClinVar (database versions not stated): TOPMed 0.00009; gnomAD exomes 0.00008; ExAC 0.00009; gnomAD 0.00007; ESP Exome Variant Server 0.00008.

Submissions (2):

Labcorp Genetics (formerly Invitae), Labcorp
Classification: Uncertain significance for Epidermodysplasia verruciformis. Last evaluated: 2024-11-11. Review status: criteria provided, single submitter. Criteria: Invitae Variant Classification Sherloc (09022015). Collection method: clinical testing. Allele origin: germline.
Comment: This sequence change replaces arginine, which is basic and polar, with cysteine, which is neutral and slightly polar, at codon 405 of the TMC6 protein (p.Arg405Cys). This variant is present in population databases (rs369868982, gnomAD 0.01%). This variant has not been reported in the literature in individuals affected with TMC6-related conditions. ClinVar contains an entry for this variant (Variation ID: 660372). An algorithm developed to predict the effect of missense changes on protein structure and function outputs the following: PolyPhen-2: "Benign". The cysteine amino acid residue is found in multiple mammalian species, which suggests that this missense change does not adversely affect protein function. In summary, the available evidence is currently insufficient to determine the role of this variant in disease. Therefore, it has been classified as a Variant of Uncertain Significance.

Ambry Genetics
Classification: Uncertain significance for Inborn genetic diseases. Last evaluated: 2024-08-28. Review status: criteria provided, single submitter. Criteria: Ambry Variant Classification Scheme 2023. Collection method: clinical testing. Allele origin: germline.

NM_001127198.5(TMC6):c.1213C>T (p.Arg405Cys)

Genes: TMC6 (transmembrane channel like 6; minus strand), LOC130061785 (ATAC-STARR-seq lymphoblastoid active region 12857; plus strand). Cytogenetic location: 17q25.3.
Variant type: single nucleotide variant.
Coding change: c.1213C>T on transcript NM_001127198.5 (MANE Select); coding-DNA position 1213, C replaced by T.
Protein change: p.Arg405Cys; replaces arginine 405 with cysteine.
Molecular consequence: missense variant. On other transcripts: non-coding transcript variant (4).
Genome position (GRCh38, 1-based): chr17:78,122,619, G>A on the plus strand (C>T on the coding strand, the complement: TMC6 is on the minus strand). VCF-style: chr17-78122619-G-A. GRCh37 (hg19) VCF-style: chr17-76118700-G-A.
Other names: c.1213C>T, p.Arg405Cys (NM_001321185.1, NM_001374593.1, NM_001374594.1 and 4 more transcripts); c.1213C>T (NM_007267.6); short protein forms R405C.
Identifiers: ClinVar variation 660372 (VCV000660372.7), dbSNP rs369868982, ClinGen allele CA8795834.